The following is an entry in ClinVar:

NM_001369268.1(ACAN):c.1732+1G>T

Gene: ACAN (aggrecan; plus strand). Cytogenetic location: 15q26.1.
Variant type: single nucleotide variant.
Coding change: c.1732+1G>T on transcript NM_001369268.1 (MANE Select); the canonical splice donor site of the intron after coding-DNA position 1732, G replaced by T.
Molecular consequence: splice donor variant.
Genome position (GRCh38, 1-based): chr15:88,848,039, G>T. VCF-style: chr15-88848039-G-T. GRCh37 (hg19) VCF-style: chr15-89391270-G-T.
Other names: c.1732+1G>T (NM_013227.4, NM_001411097.1, NM_001411096.1 and 1 more transcripts).
Identifiers: ClinVar variation 3684706 (VCV003684706.2).
Genomic context (GRCh38, chr15:88,848,039, plus strand): 5'-ATGGCGTGCGCCCATCAACAGAGACCTACGATGTCTACTGCTTTGTAGACAGACTTGAGG[G>T]TACAAGCCACATTCTCACATTTCGGGCCCTAGATGGGCAGGGGGTGGGCAGGGAGCTGAC-3'

ClinVar aggregate classification (germline): Likely pathogenic (1 of 4 stars; one submission).

Submission:

Labcorp Genetics (formerly Invitae), Labcorp
Classification: Likely pathogenic. Last evaluated: 2025-09-13. Review status: criteria provided, single submitter. Criteria: Invitae Variant Classification Sherloc (09022015). Collection method: clinical testing. Allele origin: germline.
Comment: This sequence change affects a donor splice site in intron 9 of the ACAN gene. It is expected to disrupt RNA splicing. Variants that disrupt the donor or acceptor splice site typically lead to a loss of protein function (PMID: 16199547), and loss-of-function variants in ACAN are known to be pathogenic (PMID: 16080123, 24762113). This variant is not present in population databases (gnomAD no frequency). This variant has not been reported in the literature in individuals affected with ACAN-related conditions. ClinVar contains an entry for this variant (Variation ID: 3684706). Algorithms developed to predict the effect of sequence changes on RNA splicing suggest that this variant may disrupt the consensus splice site. In summary, the currently available evidence indicates that the variant is pathogenic, but additional data are needed to prove that conclusively. Therefore, this variant has been classified as Likely Pathogenic.

Literature cited by the submitters: PubMed 16199547; PubMed 16080123; PubMed 24762113.